The following is an entry in ClinVar:

ClinVar aggregate classification (germline): Uncertain significance (1 of 4 stars; one submission).

Conditions:
Hereditary cancer-predisposing syndrome. Also called: Neoplastic Syndromes, Hereditary; Tumor predisposition; Hereditary Cancer Syndrome; Hereditary neoplastic syndrome. Identifiers: Orphanet 140162, MedGen C0027672, MeSH D009386, MONDO:0015356.

Submission:

Ambry Genetics
Classification: Uncertain significance for Hereditary cancer-predisposing syndrome. Last evaluated: 2026-05-27. Review status: criteria provided, single submitter. Criteria: Ambry Variant Classification Scheme 2023. Collection method: clinical testing. Allele origin: germline.
Comment: The p.V2843F variant (also known as c.8527G>T), located in coding exon 15 of the APC gene, results from a G to T substitution at nucleotide position 8527. The valine at codon 2843 is replaced by phenylalanine, an amino acid with highly similar properties. This amino acid position is conserved. In addition, in silico predictors for this gene do not accurately predict pathogenicity. Based on the available evidence, the clinical significance of this variant remains unclear.

NM_000038.6(APC):c.8527G>T (p.Val2843Phe)

Gene: APC (APC regulator of Wnt signaling pathway; plus strand). Cytogenetic location: 5q22.2.
Variant type: single nucleotide variant.
Coding change: c.8527G>T on transcript NM_000038.6 (MANE Select); coding-DNA position 8527, G replaced by T.
Protein change: p.Val2843Phe; replaces valine 2843 with phenylalanine.
Molecular consequence: missense variant. On other transcripts: non-coding transcript variant (2).
Genome position (GRCh38, 1-based): chr5:112,844,121, G>T. VCF-style: chr5-112844121-G-T. GRCh37 (hg19) VCF-style: chr5-112179818-G-T.
Other names: c.8140G>T, p.Val2714Phe (NM_001407469.1, NM_001407467.1); c.7678G>T, p.Val2560Phe (NM_001407470.1, NM_001354906.2); c.7375G>T, p.Val2459Phe (NM_001407471.1, NM_001407472.1); c.8581G>T, p.Val2861Phe (NM_001354896.2, NM_001407447.1, NM_001407448.1 and 1 more transcripts); c.8557G>T, p.Val2853Phe (NM_001354897.2); c.8452G>T, p.Val2818Phe (NM_001354898.2); c.8443G>T, p.Val2815Phe (NM_001354899.2); c.8404G>T, p.Val2802Phe (NM_001354900.2); and 11 more; short protein forms V2459F, V2560F, V2683F, V2714F, V2717F, V2742F, V2752F, V2760F.
Identifiers: ClinVar variation 4861877 (VCV004861877.1).
Genomic context (GRCh38, chr5:112,844,121, plus strand): 5'-ACAGAATCCAGTGGAACCCAAAGTCCTAAGCGCCATTCTGGGTCTTACCTTGTGACATCT[G>T]TTTAAAAGAGAGGAAGAATGAAACTAAGAAAATTCTATGTTAATTACAACTGCTATATAG-3'
Protein context (NP_000029.2, residues 2833-2843): RHSGSYLVTS[Val2843Phe]